The following is an entry in ClinVar:

ClinVar aggregate classification (germline): Pathogenic (1 of 4 stars; one submission).

Submission:

Labcorp Genetics (formerly Invitae), Labcorp
Classification: Pathogenic. Last evaluated: 2023-07-14. Review status: criteria provided, single submitter. Criteria: Invitae Variant Classification Sherloc (09022015). Collection method: clinical testing. Allele origin: germline.
Comment: For these reasons, this variant has been classified as Pathogenic. This variant disrupts a region of the ERCC6 protein in which other variant(s) (p.Leu536Trp) have been determined to be pathogenic (PMID: 25463447, 26791926). This suggests that this is a clinically significant region of the protein, and that variants that disrupt it are likely to be disease-causing. Variants that disrupt the consensus splice site are a relatively common cause of aberrant splicing (PMID: 17576681, 9536098). Studies have shown that this variant results in skipping of exon 7, but is expected to preserve the integrity of the reading-frame (PMID: 29572252). This variant has been observed in individual(s) with Cockayne syndrome (PMID: 29572252). This variant is not present in population databases (gnomAD no frequency). This sequence change falls in intron 7 of the ERCC6 gene. It does not directly change the encoded amino acid sequence of the ERCC6 protein. RNA analysis indicates that this variant induces altered splicing and likely results in a shortened protein product.

Literature cited by the submitters: PubMed 25463447; PubMed 26791926; PubMed 17576681; PubMed 9536098; PubMed 29572252.

NM_000124.4(ERCC6):c.1685+6T>G

Gene: ERCC6 (ERCC excision repair 6, chromatin remodeling factor; minus strand). Cytogenetic location: 10q11.23.
Variant type: single nucleotide variant.
Coding change: c.1685+6T>G on transcript NM_000124.4 (MANE Select); 6 bases into the intron after coding-DNA position 1685, T replaced by G.
Molecular consequence: intron variant.
Genome position (GRCh38, 1-based): chr10:49,500,532, A>C on the plus strand (T>G on the coding strand, the complement: ERCC6 is on the minus strand). VCF-style: chr10-49500532-A-C. GRCh37 (hg19) VCF-style: chr10-50708578-A-C.
Other names: c.1685+6T>G (NM_001346440.2).
Identifiers: ClinVar variation 2910241 (VCV002910241.3), dbSNP rs2496050378, ClinGen allele CA2695212017.